The following is an entry in ClinVar:

ClinVar aggregate classification (germline): Uncertain significance (1 of 4 stars; one submission).

Conditions:
Epilepsy, childhood absence 4 (ECA4). Also called: EPILEPSY, CHILDHOOD ABSENCE, SUSCEPTIBILITY TO, 4. Identifiers: Orphanet 307, MedGen C1970160.
Epilepsy, idiopathic generalized, susceptibility to, 13. Also called: EPILEPSY, JUVENILE MYOCLONIC, SUSCEPTIBILITY TO, 5. Identifiers: Orphanet 307, Orphanet 64280, MedGen C4013473, MONDO:0012627, OMIM 611136.
Idiopathic generalized epilepsy. Also called: EIG; Generalised epilepsy. Identifiers: MedGen C0270850, MONDO:0005579, OMIM 600669.

Submission:

Labcorp Genetics (formerly Invitae), Labcorp
Classification: Uncertain significance for Epilepsy, childhood absence 4; Epilepsy, idiopathic generalized, susceptibility to, 13; Idiopathic generalized epilepsy. Last evaluated: 2025-03-03. Review status: criteria provided, single submitter. Criteria: Invitae Variant Classification Sherloc (09022015). Collection method: clinical testing. Allele origin: germline.
Comment: This sequence change replaces aspartic acid, which is acidic and polar, with histidine, which is basic and polar, at codon 84 of the GABRA1 protein (p.Asp84His). This variant is not present in population databases (gnomAD no frequency). This variant has not been reported in the literature in individuals affected with GABRA1-related conditions. ClinVar contains an entry for this variant (Variation ID: 1713908). Invitae Evidence Modeling of protein sequence and biophysical properties (such as structural, functional, and spatial information, amino acid conservation, physicochemical variation, residue mobility, and thermodynamic stability) has been performed for this missense variant. However, the output from this modeling did not meet the statistical confidence thresholds required to predict the impact of this variant on GABRA1 protein function. In summary, the available evidence is currently insufficient to determine the role of this variant in disease. Therefore, it has been classified as a Variant of Uncertain Significance.

NM_001127644.2(GABRA1):c.250G>C (p.Asp84His)

Gene: GABRA1 (gamma-aminobutyric acid type A receptor subunit alpha1; plus strand). Cytogenetic location: 5q34.
Variant type: single nucleotide variant.
Coding change: c.250G>C on transcript NM_001127644.2 (MANE Select); coding-DNA position 250, G replaced by C.
Protein change: p.Asp84His; replaces aspartic acid 84 with histidine.
Molecular consequence: missense variant.
Genome position (GRCh38, 1-based): chr5:161,865,783, G>C. VCF-style: chr5-161865783-G-C. GRCh37 (hg19) VCF-style: chr5-161292789-G-C.
Other names: c.250G>C, p.Asp84His (NM_000806.5, NM_001127643.2, NM_001127645.2 and 1 more transcripts); short protein forms D84H.
Identifiers: ClinVar variation 1713908 (VCV001713908.5), dbSNP rs2532225615, ClinGen allele CA362178627.
Genomic context (GRCh38, chr5:161,865,783, plus strand): 5'-CGTGTAACCGAAGTGAAGACTGATATCTTCGTCACCAGTTTCGGACCCGTTTCAGACCAT[G>C]ATATGGTAAGTGGACACTTTATCTTTGCTTTTCTTGAAGAATTTTTAAAATTTAACTTTT-3'
Protein context (NP_001121116.1, residues 74-94): VTSFGPVSDH[Asp84His]MEYTIDVFFR